The following is an entry in ClinVar:

ClinVar aggregate classification (germline): Benign/Likely benign. Review status: criteria provided, multiple submitters, no conflicts (2 of 4 stars). 12 submissions from 12 submitters: Benign (3); Likely benign (5). 4 of the submissions do not count toward it. Last evaluated 2026-03-01.

Conditions:
APP POLYMORPHISM.
Cerebral amyloid angiopathy, APP-related. Also called: AMYLOIDOSIS, CEREBROARTERIAL, APP-RELATED; Cerebral amyloid angiopathy, Dutch, Italian, Iowa, Flemish, Arctic variants. Identifiers: Orphanet 100006, Orphanet 324703, Orphanet 324708, Orphanet 324713, Orphanet 324718, Orphanet 324723, Orphanet 85458, MedGen C2751536, MONDO:0011583, OMIM 605714.
Alzheimer disease type 1 (AD1). Also called: ALZHEIMER DISEASE, FAMILIAL, 1; ALZHEIMER DISEASE, FAMILIAL, 1, AUTOSOMAL RECESSIVE. Identifiers: MedGen C1863052, MONDO:0007088, OMIM 104300.
Alzheimer disease. Also called: Presenile and senile dementia; Alzheimer's disease. Identifiers: Orphanet 1020, MedGen C0002395, MeSH D000544, MONDO:0004975, HP:0002511.

Allele frequency attached by ClinVar (database versions not stated): gnomAD exomes 0.00189 and 0.00207; ExAC 0.00204; 1000 Genomes Project 0.00280; 1000 Genomes Project 30x 0.00297; ESP Exome Variant Server 0.00338; gnomAD 0.00339 and 0.00348; TOPMed 0.00352.
gnomAD v4.1: 3,562 of 1,613,822 alleles (0.22%); highest among the groups gnomAD compares: African/African-American, 0.75%; 5 homozygotes.

Submissions (12):

CeGaT Center for Human Genetics Tuebingen
Classification: Likely benign. Last evaluated: 2026-03-01. Review status: criteria provided, single submitter. Criteria: CeGaT Center For Human Genetics Tuebingen Variant Classification Criteria Version 2. Collection method: clinical testing. Allele origin: germline. Affected: yes. Observed: 5 variant alleles.
Comment: APP: BP4, BP7

Labcorp Genetics (formerly Invitae), Labcorp
Classification: Benign for Alzheimer disease. Last evaluated: 2026-01-19. Review status: criteria provided, single submitter. Criteria: Invitae Variant Classification Sherloc (09022015). Collection method: clinical testing. Allele origin: germline.

Blueprint Genetics
Classification: Likely benign. Last evaluated: 2024-11-15. Review status: criteria provided, single submitter. Criteria: ACMG Guidelines, 2015. Collection method: clinical testing. Allele origin: germline.

Mayo Clinic Laboratories, Mayo Clinic
Classification: Benign. Last evaluated: 2024-02-16. Review status: criteria provided, single submitter. Criteria: ACMG Guidelines, 2015. Collection method: clinical testing. Allele origin: germline. Observed: 6 variant alleles.
Comment: BS1, BS2, BP4, BP7

Fulgent Genetics
Classification: Likely benign for Alzheimer disease type 1; Cerebral amyloid angiopathy, APP-related. Last evaluated: 2021-07-29. Review status: criteria provided, single submitter. Criteria: ACMG Guidelines, 2015. Collection method: clinical testing. Allele origin: unknown.

Illumina Laboratory Services, Illumina
Classification: Likely benign for Alzheimer disease type 1. Last evaluated: 2018-01-13. Review status: criteria provided, single submitter. Criteria: ICSL Variant Classification Criteria 13 December 2019. Collection method: clinical testing. Allele origin: germline.
Comment: This variant was observed in the ICSL laboratory as part of a predisposition screen in an ostensibly healthy population. It had not been previously curated by ICSL or reported in the Human Gene Mutation Database (HGMD: prior to June 1st, 2018), and was therefore a candidate for classification through an automated scoring system. Utilizing variant allele frequency, disease prevalence and penetrance estimates, and inheritance mode, an automated score was calculated to assess if this variant is too frequent to cause the disease. Based on the score and internal cut-off values, a variant classified as likely benign is not then subjected to further curation. The score for this variant resulted in a classification of likely benign for this disease.

Athena Diagnostics
Classification: Benign. Last evaluated: 2017-09-20. Review status: criteria provided, single submitter. Criteria: Athena Diagnostics Criteria. Collection method: clinical testing. Allele origin: germline.

Breakthrough Genomics
Classification: Likely benign. Review status: criteria provided, single submitter. Criteria: ACMG Guidelines, 2015. Collection method: not provided. Allele origin: germline. Inheritance: Autosomal dominant inheritance. Affected: yes.

OMIM
Classification: Benign for APP POLYMORPHISM. Last evaluated: 1992-07-01. Review status: no assertion criteria provided. Collection method: literature only. Allele origin: germline. Not counted in ClinVar's aggregate classification.

Clinical Genetics DNA and cytogenetics Diagnostics Lab, Erasmus MC, Erasmus Medical Center
Classification: Likely benign. Review status: no assertion criteria provided. Collection method: clinical testing. Allele origin: germline. Affected: yes. Study: VKGL Data-share Consensus. Not counted in ClinVar's aggregate classification.

Genome Diagnostics Laboratory, Amsterdam University Medical Center
Classification: Benign. Review status: no assertion criteria provided. Collection method: clinical testing. Allele origin: germline. Affected: yes. Study: VKGL Data-share Consensus. Not counted in ClinVar's aggregate classification.

Laboratory of Diagnostic Genome Analysis, Leiden University Medical Center (LUMC)
Classification: Likely benign. Review status: no assertion criteria provided. Collection method: clinical testing. Allele origin: germline. Affected: yes. Study: VKGL Data-share Consensus. Not counted in ClinVar's aggregate classification.

Literature cited by the submitters: PubMed 1415269 (cited by Mayo Clinic Laboratories, Mayo Clinic and Athena Diagnostics); PubMed 1634237 (cited by 3 submitters); PubMed 22503161 (cited by Mayo Clinic Laboratories, Mayo Clinic and Athena Diagnostics); PubMed 31914229 (cited by Mayo Clinic Laboratories, Mayo Clinic); PubMed 32087291 (cited by Mayo Clinic Laboratories, Mayo Clinic); PubMed 36555510 (cited by Mayo Clinic Laboratories, Mayo Clinic); PubMed 11568920 (cited by Athena Diagnostics).

NM_000484.4(APP):c.2124C>T (p.Gly708=)

Gene: APP (amyloid beta precursor protein; minus strand). Cytogenetic location: 21q21.3.
Variant type: single nucleotide variant.
Coding change: c.2124C>T on transcript NM_000484.4 (MANE Select); coding-DNA position 2124, C replaced by T.
Protein change: p.Gly708=; no amino-acid change (glycine 708 retained).
Molecular consequence: synonymous variant.
Genome position (GRCh38, 1-based): chr21:25,891,809, G>A on the plus strand (C>T on the coding strand, the complement: APP is on the minus strand). VCF-style: chr21-25891809-G-A. GRCh37 (hg19) VCF-style: chr21-27264121-G-A.
Other names: p.Gly708=; 2124C-T; c.2052C>T, p.Gly684= (NM_001136016.3); c.1731C>T, p.Gly577= (NM_001136129.3); c.1956C>T, p.Gly652= (NM_001136130.3, NM_001385253.1); c.1794C>T, p.Gly598= (NM_001136131.3); c.2070C>T, p.Gly690= (NM_001204301.2); c.2013C>T, p.Gly671= (NM_001204302.2); and 3 more.
Identifiers: ClinVar variation 339629 (VCV000339629.53), dbSNP rs148888161, ClinGen allele CA9987057.